The following is an entry in ClinVar:

NM_000548.5(TSC2):c.1389C>G (p.Ile463Met)

Gene: TSC2 (TSC complex subunit 2; plus strand). Cytogenetic location: 16p13.3.
Variant type: single nucleotide variant.
Coding change: c.1389C>G on transcript NM_000548.5 (MANE Select); coding-DNA position 1389, C replaced by G.
Protein change: p.Ile463Met; replaces isoleucine 463 with methionine.
Molecular consequence: missense variant.
Genome position (GRCh38, 1-based): chr16:2,062,999, C>G. VCF-style: chr16-2062999-C-G. GRCh37 (hg19) VCF-style: chr16-2113000-C-G.
Other names: c.1389C>G, p.Ile463Met (NM_001077183.3, NM_001114382.3, NM_001363528.2 and 3 more transcripts); c.1278C>G, p.Ile426Met (NM_001318827.2); c.1242C>G, p.Ile414Met (NM_001318829.2); c.789C>G, p.Ile263Met (NM_001318831.2); c.1422C>G, p.Ile474Met (NM_001318832.2); short protein forms I426M, I463M, I474M, I263M, I414M.
Identifiers: ClinVar variation 837633 (VCV000837633.15), dbSNP rs1188230416, ClinGen allele CA394323756.
Genomic context (GRCh38, chr16:2,062,999, plus strand): 5'-CCCCACCCGCCCCAGCAGGCTGCCGTCCCGCAGGAGCGAGTCCCGAGGCGCCGTGCGCAT[C>G]AAGGTGCTGGACGTGCTGTCCTTTGTGCTGCTCATCAACAGGCAGTTCTATGAGGTGCGT-3'
Protein context (NP_000539.2, residues 453-473): FRSESRGAVR[Ile463Met]KVLDVLSFVL

ClinVar aggregate classification (germline): Conflicting classifications of pathogenicity. Review status: criteria provided, conflicting classifications (1 of 4 stars). 5 submissions from 5 submitters: Uncertain significance (4); Benign (1). Last evaluated 2025-07-17.

Conditions:
Tuberous sclerosis 2 (TSC2). Identifiers: Orphanet 805, MedGen C1860707, MONDO:0013199, OMIM 613254.
Tuberous sclerosis syndrome (TSC). Also called: Tuberous Sclerosis Complex; Tuberous sclerosis. Identifiers: Orphanet 805, MedGen C0041341, MONDO:0001734.
Isolated focal cortical dysplasia type II (FCORD2). Also called: CORTICAL DYSPLASIA OF TAYLOR; Focal cortical dysplasia type II. Identifiers: Orphanet 268994, MedGen C1846385, MONDO:0011818, OMIM 607341, HP:0032051.
Hereditary cancer-predisposing syndrome. Also called: Neoplastic Syndromes, Hereditary; Hereditary neoplastic syndrome; Tumor predisposition; Hereditary Cancer Syndrome. Identifiers: Orphanet 140162, MedGen C0027672, MeSH D009386, MONDO:0015356.

Allele frequency attached by ClinVar (database versions not stated): gnomAD exomes below 0.00001; gnomAD 0.00001; TOPMed 0.00001.
gnomAD v4.1: 5 of 1,551,230 alleles (0.00032%); highest among the groups gnomAD compares: Non-Finnish European, 0.00044%; no homozygotes.

Submissions (5):

Color Diagnostics, LLC DBA Color Health
Classification: Uncertain significance for Tuberous sclerosis syndrome. Last evaluated: 2025-07-17. Review status: criteria provided, single submitter. Criteria: ACMG Guidelines, 2015. Collection method: clinical testing. Allele origin: germline.
Comment: This missense variant replaces isoleucine with methionine at codon 463 of the TSC2 protein. Computational prediction is inconclusive regarding the impact of this variant on protein structure and function. To our knowledge, functional studies have not been reported for this variant. This variant has not been reported in individuals affected with TSC2-related disorders in the literature. This variant has been identified in 1/31382 chromosomes in the general population by the Genome Aggregation Database (gnomAD). The available evidence is insufficient to determine the role of this variant in disease conclusively. Therefore, this variant is classified as a Variant of Uncertain Significance.

Labcorp Genetics (formerly Invitae), Labcorp
Classification: Benign for Tuberous sclerosis 2. Last evaluated: 2025-06-16. Review status: criteria provided, single submitter. Criteria: Invitae Variant Classification Sherloc (09022015). Collection method: clinical testing. Allele origin: germline.

All of Us Research Program, National Institutes of Health
Classification: Uncertain significance for Tuberous sclerosis syndrome. Last evaluated: 2024-03-24. Review status: criteria provided, single submitter. Criteria: ACMG Guidelines, 2015. Collection method: clinical testing. Allele origin: germline. Inheritance: Autosomal dominant inheritance. Observed: 2 variant alleles, 2 heterozygotes.
Comment: This missense variant replaces isoleucine with methionine at codon 463 of the TSC2 protein. Computational prediction is inconclusive regarding the impact of this variant on protein structure and function (internally defined REVEL score threshold 0.5 < inconclusive < 0.7, PMID: 27666373). To our knowledge, functional studies have not been reported for this variant. This variant has not been reported in individuals affected with TSC2-related disorders in the literature. This variant has been identified in 1/31382 chromosomes in the general population by the Genome Aggregation Database (gnomAD). The available evidence is insufficient to determine the role of this variant in disease conclusively. Therefore, this variant is classified as a Variant of Uncertain Significance.

This study involves interpretation of variants in research participants for the purpose of population health screening. Participant phenotype was not available at the time of variant classification. Additional details can be found in publication PMID: 35346344, PMCID: PMC8962531

Baylor Genetics
Classification: Uncertain significance for Isolated focal cortical dysplasia type II. Last evaluated: 2023-10-18. Review status: criteria provided, single submitter. Criteria: ACMG Guidelines, 2015. Collection method: clinical testing. Allele origin: unknown.

Ambry Genetics
Classification: Uncertain significance for Hereditary cancer-predisposing syndrome. Last evaluated: 2023-08-31. Review status: criteria provided, single submitter. Criteria: Ambry Variant Classification Scheme 2023. Collection method: clinical testing. Allele origin: germline.
Comment: The p.I463M variant (also known as c.1389C>G), located in coding exon 13 of the TSC2 gene, results from a C to G substitution at nucleotide position 1389. The isoleucine at codon 463 is replaced by methionine, an amino acid with highly similar properties. This amino acid position is well conserved in available vertebrate species. In addition, the in silico prediction for this alteration is inconclusive. Since supporting evidence is limited at this time, the clinical significance of this alteration remains unclear.